The following is an entry in ClinVar:

NM_178862.3(STT3B):c.11C>T (p.Pro4Leu)

Genes: STT3B (STT3 oligosaccharyltransferase complex catalytic subunit B; plus strand), LOC129936407 (ATAC-STARR-seq lymphoblastoid silent region 14161; plus strand). Cytogenetic location: 3p23.
Variant type: single nucleotide variant.
Coding change: c.11C>T on transcript NM_178862.3 (MANE Select); coding-DNA position 11, C replaced by T.
Protein change: p.Pro4Leu; replaces proline 4 with leucine.
Molecular consequence: missense variant.
Genome position (GRCh38, 1-based): chr3:31,533,009, C>T. VCF-style: chr3-31533009-C-T. GRCh37 (hg19) VCF-style: chr3-31574501-C-T.
Other names: short protein forms P4L.
Identifiers: ClinVar variation 1042772 (VCV001042772.5), dbSNP rs1250170448, ClinGen allele CA351830904.

ClinVar aggregate classification (germline): Uncertain significance (1 of 4 stars; one submission).

Conditions:
STT3B-congenital disorder of glycosylation. Also called: CDG Ix; Congenital disorder of glycosylation type 1x; STT3B-CDG. Identifiers: Orphanet 370924, MedGen C2931007, MONDO:0014271, OMIM 615597.

Allele frequency attached by ClinVar (database versions not stated): TOPMed below 0.00001; gnomAD exomes 0.00001.
gnomAD v4.1: 4 of 1,589,324 alleles (0.00025%); highest among the groups gnomAD compares: Non-Finnish European, 0.00026%; no homozygotes.

Submission:

Labcorp Genetics (formerly Invitae), Labcorp
Classification: Uncertain significance for STT3B-congenital disorder of glycosylation. Last evaluated: 2025-05-27. Review status: criteria provided, single submitter. Criteria: Invitae Variant Classification Sherloc (09022015). Collection method: clinical testing. Allele origin: germline.
Comment: This sequence change replaces proline, which is neutral and non-polar, with leucine, which is neutral and non-polar, at codon 4 of the STT3B protein (p.Pro4Leu). This variant is not present in population databases (gnomAD no frequency). This variant has not been reported in the literature in individuals affected with STT3B-related conditions. ClinVar contains an entry for this variant (Variation ID: 1042772). An algorithm developed to predict the effect of missense changes on protein structure and function (PolyPhen-2) suggests that this variant is likely to be tolerated. In summary, the available evidence is currently insufficient to determine the role of this variant in disease. Therefore, it has been classified as a Variant of Uncertain Significance.